The following is an entry in ClinVar:

ClinVar aggregate classification (germline): Uncertain significance (1 of 4 stars; one submission).

Submission:

Labcorp Genetics (formerly Invitae), Labcorp
Classification: Uncertain significance. Last evaluated: 2024-11-03. Review status: criteria provided, single submitter. Criteria: Invitae Variant Classification Sherloc (09022015). Collection method: clinical testing. Allele origin: germline.
Comment: This sequence change replaces aspartic acid, which is acidic and polar, with valine, which is neutral and non-polar, at codon 257 of the CD46 protein (p.Asp257Val). This variant is not present in population databases (gnomAD no frequency). This variant has not been reported in the literature in individuals affected with CD46-related conditions. Invitae Evidence Modeling of protein sequence and biophysical properties (such as structural, functional, and spatial information, amino acid conservation, physicochemical variation, residue mobility, and thermodynamic stability) indicates that this missense variant is not expected to disrupt CD46 protein function with a negative predictive value of 80%. In summary, the available evidence is currently insufficient to determine the role of this variant in disease. Therefore, it has been classified as a Variant of Uncertain Significance.

NM_172351.3(CD46):c.770A>T (p.Asp257Val)

Gene: CD46 (CD46 molecule; plus strand). Cytogenetic location: 1q32.2.
Variant type: single nucleotide variant.
Coding change: c.770A>T on transcript NM_172351.3 (MANE Select); coding-DNA position 770, A replaced by T.
Protein change: p.Asp257Val; replaces aspartic acid 257 with valine.
Molecular consequence: missense variant.
Genome position (GRCh38, 1-based): chr1:207,767,109, A>T. VCF-style: chr1-207767109-A-T. GRCh37 (hg19) VCF-style: chr1-207940454-A-T.
Other names: c.770A>T, p.Asp257Val (NM_002389.4, NM_153826.4, NM_172350.3 and 8 more transcripts); short protein forms D257V.
Identifiers: ClinVar variation 3713894 (VCV003713894.2).